The following is an entry in ClinVar:

ClinVar aggregate classification (germline): Pathogenic/Likely pathogenic. Review status: criteria provided, multiple submitters, no conflicts (2 of 4 stars). 4 submissions from 4 submitters: Pathogenic (2); Likely pathogenic (2). Last evaluated 2024-02-01.

Conditions:
SLC39A4-related disorder. Also called: SLC39A4-related condition.
Inborn genetic diseases. Identifiers: MedGen C0950123, MeSH D030342.
Hereditary acrodermatitis enteropathica (AEZ). Also called: Acrodermatitis enteropathica. Identifiers: Orphanet 37, MedGen C0221036, MONDO:0008713, OMIM 201100.

Submissions (4):

Fulgent Genetics
Classification: Likely pathogenic for Hereditary acrodermatitis enteropathica. Last evaluated: 2024-02-01. Review status: criteria provided, single submitter. Criteria: ACMG Guidelines, 2015. Collection method: clinical testing. Allele origin: germline.

Labcorp Genetics (formerly Invitae), Labcorp
Classification: Likely pathogenic. Last evaluated: 2024-01-14. Review status: criteria provided, single submitter. Criteria: Invitae Variant Classification Sherloc (09022015). Collection method: clinical testing. Allele origin: germline.
Comment: This variant results in the deletion of part of exon 9 (c.1465_1474+4del) of the SLC39A4 gene. It is expected to disrupt RNA splicing. Variants that disrupt the donor or acceptor splice site typically lead to a loss of protein function (PMID: 16199547), and loss-of-function variants in SLC39A4 are known to be pathogenic (PMID: 12955721). This variant is present in population databases (rs782563835, gnomAD 0.01%). This variant has been observed in individual(s) with acrodermatitis enteropathica (PMID: 21762381). ClinVar contains an entry for this variant (Variation ID: 985707). In summary, the currently available evidence indicates that the variant is pathogenic, but additional data are needed to prove that conclusively. Therefore, this variant has been classified as Likely Pathogenic.

PreventionGenetics, part of Exact Sciences
Classification: Pathogenic for SLC39A4-related condition. Last evaluated: 2023-06-08. Review status: criteria provided, single submitter. Criteria: ACMG Guidelines, 2015. Collection method: clinical testing. Allele origin: germline.
Comment: The SLC39A4 c.1465_1474+4del14 variant is predicted to result in a deletion affecting a canonical splice site. This variant was reported in a compound heterozygous individual with an acrodermatitis enteropathica phenotype (Jung et al 2011. PubMed ID: 21762381). This variant is reported in 0.011% of alleles in individuals of European (Non-Finnish) descent in gnomAD. Frameshift variants as well as variants that disrupt canonical splice sites in SLC39A4 are expected to be pathogenic. This variant is interpreted as pathogenic.

Ambry Genetics
Classification: Pathogenic for Inborn genetic diseases. Last evaluated: 2018-06-12. Review status: criteria provided, single submitter. Criteria: Ambry exome assertion method (8-5-2015). Collection method: clinical testing. Allele origin: germline. Affected: yes. Observed: 1 variant allele.

Literature cited by the submitters: PubMed 16199547 (cited by Labcorp Genetics (formerly Invitae), Labcorp); PubMed 12955721 (cited by Labcorp Genetics (formerly Invitae), Labcorp); PubMed 21762381 (cited by Labcorp Genetics (formerly Invitae), Labcorp and Ambry Genetics); PubMed 12032886 (cited by Ambry Genetics).

NM_130849.4(SLC39A4):c.1465_1474+4del

Gene: SLC39A4 (solute carrier family 39 member 4; minus strand). Cytogenetic location: 8q24.3.
Variant type: Deletion.
Coding change: c.1465_1474+4del on transcript NM_130849.4 (MANE Select); coding-DNA position 1465 through 4 bases into the intron after coding-DNA position 1474, 14 bases deleted (CTGAGCCCAGGTGA).
Molecular consequence: splice donor variant.
Genome position (GRCh38, 1-based): chr8:144,413,509-144,413,522, TCACCTGGGCTCAG deleted on the plus strand (CTGAGCCCAGGTGA on the coding strand, the reverse complement: SLC39A4 is on the minus strand); deleting any 14 consecutive bases within chr8:144,413,509-144,413,524 gives the same sequence; the c. name uses the placement nearest the transcript's 3' end. VCF-style (leftmost placement, unchanged base first): chr8-144413508-CTCACCTGGGCTCAG-C. GRCh37 (hg19) VCF-style: chr8-145638892-CTCACCTGGGCTCAG-C.
Other names: c.1183_1192+4del (NM_001374839.1); c.1390_1399+4del (NM_017767.3); c.-30_-21+4del (NM_001280557.2); c.1465_1474+4del14 (NM_130849.3).
Identifiers: ClinVar variation 985707 (VCV000985707.11), dbSNP rs782563835, ClinGen allele CA4941212.